The following is an entry in ClinVar:

ClinVar aggregate classification (germline): Uncertain significance (1 of 4 stars; one submission).

Conditions:
Hypertrophic cardiomyopathy 9. Also called: Familial hypertrophic cardiomyopathy 9. Identifiers: MedGen C1861065, MONDO:0013412, OMIM 613765.
Autosomal recessive limb-girdle muscular dystrophy type 2J (LGMDR10). Also called: Limb-girdle muscular dystrophy, type 2J; MUSCULAR DYSTROPHY, LIMB-GIRDLE, AUTOSOMAL RECESSIVE 10. Identifiers: Orphanet 140922, MedGen C1837342, MONDO:0012127, OMIM 608807.
Dilated cardiomyopathy 1G (CMD1G). Identifiers: Orphanet 154, MedGen C1858763, MONDO:0011400, OMIM 604145.
Tibial muscular dystrophy (TMD). Also called: UDD MYOPATHY; Udd Distal Myopathy – Tibial Muscular Dystrophy; Tibial muscular dystrophy, tardive. Identifiers: Orphanet 609, MedGen C1838244, MONDO:0010870, OMIM 600334.
Early-onset myopathy with fatal cardiomyopathy (CMYO5). Also called: CONGENITAL MYOPATHY 5 WITH CARDIOMYOPATHY; Salih Myopathy. Identifiers: Orphanet 289377, MedGen C2673677, MONDO:0012714, OMIM 611705. Disease mechanism: loss of function.
Myopathy, myofibrillar, 9, with early respiratory failure (MFM9). Also called: EDSTROM MYOPATHY; MYOPATHY, PROXIMAL, WITH EARLY RESPIRATORY MUSCLE INVOLVEMENT; Hereditary myopathy with early respiratory failure; Myopathy, distal, with early respiratory failure, autosomal dominant. Identifiers: Orphanet 178464, Orphanet 34521, MedGen C1863599, MONDO:0011362, OMIM 603689.

gnomAD v4.1: 3 of 1,612,350 alleles (0.00019%); highest among the groups gnomAD compares: Non-Finnish European, 0.00025%; no homozygotes.

Submission:

Baylor Genetics
Classification: Uncertain significance for Myopathy, myofibrillar, 9, with early respiratory failure; Hypertrophic cardiomyopathy 9; Dilated cardiomyopathy 1G; Tibial muscular dystrophy; Autosomal recessive limb-girdle muscular dystrophy type 2J; Early-onset myopathy with fatal cardiomyopathy. Last evaluated: 2017-09-01. Review status: criteria provided, single submitter. Criteria: ACMG Guidelines, 2015. Collection method: clinical testing. Allele origin: maternal. Inheritance: Autosomal unknown.

Literature cited by the submitters: PubMed 25326635.

NM_001267550.2(TTN):c.43800A>C (p.Lys14600Asn)

Gene: TTN (titin; minus strand). Cytogenetic location: 2q31.2.
Variant type: single nucleotide variant.
Coding change: c.43800A>C on transcript NM_001267550.2 (MANE Select); coding-DNA position 43800, A replaced by C.
Protein change: p.Lys14600Asn; replaces lysine 14600 with asparagine.
Molecular consequence: missense variant.
Genome position (GRCh38, 1-based): chr2:178,631,248, T>G on the plus strand (A>C on the coding strand, the complement: TTN is on the minus strand). VCF-style: chr2-178631248-T-G. GRCh37 (hg19) VCF-style: chr2-179495975-T-G.
Other names: c.38877A>C, p.Lys12959Asn (NM_001256850.1); c.16605A>C, p.Lys5535Asn (NM_003319.4); c.36096A>C, p.Lys12032Asn (NM_133378.4); c.16980A>C, p.Lys5660Asn (NM_133432.3); c.17181A>C, p.Lys5727Asn (NM_133437.4); short protein forms K12032N, K14600N, K5535N, K5727N, K12959N, K5660N.
Identifiers: ClinVar variation 561140 (VCV000561140.2), dbSNP rs769967388, ClinGen allele CA349647347.